The following is an entry in ClinVar:

NM_001007237.3(IGSF3):c.345C>T (p.Ala115=)

Gene: IGSF3 (immunoglobulin superfamily member 3; minus strand). Cytogenetic location: 1p13.1.
Variant type: single nucleotide variant.
Coding change: c.345C>T on transcript NM_001007237.3 (MANE Select); coding-DNA position 345, C replaced by T.
Protein change: p.Ala115=; no amino-acid change (alanine 115 retained).
Molecular consequence: synonymous variant.
Genome position (GRCh38, 1-based): chr1:116,616,156, G>A on the plus strand (C>T on the coding strand, the complement: IGSF3 is on the minus strand). VCF-style: chr1-116616156-G-A. GRCh37 (hg19) VCF-style: chr1-117158778-G-A.
Other names: c.345C>T, p.Ala115= (NM_001542.4).
Identifiers: ClinVar variation 2639026 (VCV002639026.24), dbSNP rs367708710, ClinGen allele CA1026816.

ClinVar aggregate classification (germline): Likely benign (1 of 4 stars; one submission).

Allele frequency attached by ClinVar (database versions not stated): ExAC 0.00012; gnomAD 0.00014; TOPMed 0.00014; ESP Exome Variant Server 0.00015; gnomAD exomes 0.00017.
gnomAD v4.1: 271 of 1,613,726 alleles (0.017%); highest among the groups gnomAD compares: Non-Finnish European, 0.021%; no homozygotes.

Submission:

CeGaT Center for Human Genetics Tuebingen
Classification: Likely benign. Last evaluated: 2023-03-01. Review status: criteria provided, single submitter. Criteria: CeGaT Center For Human Genetics Tuebingen Variant Classification Criteria Version 2. Collection method: clinical testing. Allele origin: germline. Affected: yes. Observed: 2 variant alleles.
Comment: IGSF3: BP4, BP7